The following is an entry in ClinVar:

ClinVar aggregate classification (germline): Uncertain significance. Review status: criteria provided, multiple submitters, no conflicts (2 of 4 stars). 2 submissions from 2 submitters: Uncertain significance (2). Last evaluated 2026-05-18.

Conditions:
FGFR1-related disorder. Also called: FGFR1-related condition; FGFR1-related disorders. Identifiers: MedGen CN380097.
Hypogonadotropic hypogonadism 2 with or without anosmia (HH2). Also called: FGFR1-Related GnRH Deficiency (Kallmann Syndrome 2); HYPOGONADOTROPIC HYPOGONADISM 2 WITHOUT ANOSMIA; HYPOGONADOTROPIC HYPOGONADISM 2 WITH OR WITHOUT ANOSMIA, SUSCEPTIBILITY TO; HYPOGONADOTROPIC HYPOGONADISM 2 WITHOUT ANOSMIA, SUSCEPTIBILITY TO. Identifiers: Orphanet 478, MedGen C1563720, MONDO:0007844, OMIM 147950. Disease mechanism: loss of function.
Pfeiffer syndrome (ACS5). Also called: ACS V. Identifiers: Orphanet 710, MedGen C0220658, MONDO:0007043, OMIM 101600.

Allele frequency attached by ClinVar (database versions not stated): gnomAD exomes below 0.00001; gnomAD 0.00001; TOPMed 0.00002.

Submissions (2):

PreventionGenetics, part of Exact Sciences
Classification: Uncertain significance for FGFR1-related condition. Last evaluated: 2026-05-18. Review status: criteria provided, single submitter. Criteria: ACMG Guidelines, 2015. Collection method: clinical testing. Allele origin: germline.
Comment: The FGFR1 c.362C>T variant is predicted to result in the amino acid substitution p.Ala121Val. To our knowledge, this variant has not been reported in the literature. This variant is reported in 0.00092% of alleles in individuals of European (Non-Finnish) descent in gnomAD. At this time, the clinical significance of this variant is uncertain due to the absence of conclusive functional and genetic evidence.

Labcorp Genetics (formerly Invitae), Labcorp
Classification: Uncertain significance for Pfeiffer syndrome; Hypogonadotropic hypogonadism 2 with or without anosmia. Last evaluated: 2024-03-26. Review status: criteria provided, single submitter. Criteria: Invitae Variant Classification Sherloc (09022015). Collection method: clinical testing. Allele origin: germline.
Comment: This sequence change replaces alanine, which is neutral and non-polar, with valine, which is neutral and non-polar, at codon 121 of the FGFR1 protein (p.Ala121Val). This variant is present in population databases (no rsID available, gnomAD 0.0009%). This variant has not been reported in the literature in individuals affected with FGFR1-related conditions. ClinVar contains an entry for this variant (Variation ID: 2126130). Advanced modeling of protein sequence and biophysical properties (such as structural, functional, and spatial information, amino acid conservation, physicochemical variation, residue mobility, and thermodynamic stability) performed at Invitae indicates that this missense variant is not expected to disrupt FGFR1 protein function with a negative predictive value of 80%. In summary, the available evidence is currently insufficient to determine the role of this variant in disease. Therefore, it has been classified as a Variant of Uncertain Significance.

NM_023110.3(FGFR1):c.362C>T (p.Ala121Val)

Gene: FGFR1 (fibroblast growth factor receptor 1; minus strand). Cytogenetic location: 8p11.23.
Variant type: single nucleotide variant.
Coding change: c.362C>T on transcript NM_023110.3 (MANE Select); coding-DNA position 362, C replaced by T.
Protein change: p.Ala121Val; replaces alanine 121 with valine.
Molecular consequence: missense variant.
Genome position (GRCh38, 1-based): chr8:38,428,432, G>A on the plus strand (C>T on the coding strand, the complement: FGFR1 is on the minus strand). VCF-style: chr8-38428432-G-A. GRCh37 (hg19) VCF-style: chr8-38285950-G-A.
Other names: c.362C>T, p.Ala121Val (NM_000604.2, NM_001174063.2, NM_001174065.2 and 4 more transcripts); c.338C>T, p.Ala113Val (NM_001174064.2); c.95C>T, p.Ala32Val (NM_001174066.2, NM_001354368.2, NM_001354370.2 and 2 more transcripts); c.461C>T, p.Ala154Val (NM_001174067.2); short protein forms A32V, A113V, A154V, A121V.
Identifiers: ClinVar variation 2126130 (VCV002126130.6), dbSNP rs1307187624, ClinGen allele CA370736082.